The following is an entry in ClinVar:

NM_005902.4(SMAD3):c.884G>A (p.Arg295Gln)

Gene: SMAD3 (SMAD family member 3; plus strand). Cytogenetic location: 15q22.33.
Variant type: single nucleotide variant.
Coding change: c.884G>A on transcript NM_005902.4 (MANE Select); coding-DNA position 884, G replaced by A.
Protein change: p.Arg295Gln; replaces arginine 295 with glutamine.
Molecular consequence: missense variant.
Genome position (GRCh38, 1-based): chr15:67,184,739, G>A. VCF-style: chr15-67184739-G-A. GRCh37 (hg19) VCF-style: chr15-67477077-G-A.
Other names: c.569G>A, p.Arg190Gln (NM_001145102.2); c.752G>A, p.Arg251Gln (NM_001145103.2); c.299G>A, p.Arg100Gln (NM_001145104.2); short protein forms R100Q, R251Q, R190Q, R295Q.
Identifiers: ClinVar variation 927254 (VCV000927254.12), dbSNP rs772730200, ClinGen allele CA062823.
Genomic context (GRCh38, chr15:67,184,739, plus strand): 5'-TGTGTGTGAGCAAAGGCACCCTGTCCAGTCTAACCTGAATCTCTGTAGGAAGAGGCGTGC[G>A]GCTCTACTACATCGGAGGGGAGGTCTTCGCAGAGTGCCTCAGTGACAGCGCTATTTTTGT-3'
Protein context (NP_005893.1, residues 285-305): LTRRHIGRGV[Arg295Gln]LYYIGGEVFA

ClinVar aggregate classification (germline): Uncertain significance. Review status: criteria provided, multiple submitters, no conflicts (2 of 4 stars). 2 submissions from 2 submitters: Uncertain significance (2). Last evaluated 2024-03-06.

Conditions:
Familial thoracic aortic aneurysm and aortic dissection (TAAD). Also called: Thoracic aortic aneurysms and dissections. Identifiers: Orphanet 91387, MedGen C4707243, MONDO:0019625.

Allele frequency attached by ClinVar (database versions not stated): gnomAD exomes below 0.00001; ExAC 0.00001.
gnomAD v4.1: 1 of 1,614,046 alleles (0.000062%); highest among the groups gnomAD compares: Non-Finnish European, 0.000085%; no homozygotes.

Submissions (2):

Color Diagnostics, LLC DBA Color Health
Classification: Uncertain significance for Familial thoracic aortic aneurysm and aortic dissection. Last evaluated: 2024-03-06. Review status: criteria provided, single submitter. Criteria: ACMG Guidelines, 2015. Collection method: clinical testing. Allele origin: germline.
Comment: This missense variant replaces arginine with glutamine at codon 295 of the SMAD3 protein. Computational prediction suggests that this variant may have deleterious impact on protein structure and function (internally defined REVEL score threshold >= 0.7, PMID: 27666373). Splice site prediction tools suggest that this variant may not impact RNA splicing. To our knowledge, functional studies have not been performed for this variant. This variant has not been reported in individuals affected with cardiovascular disorders in the literature. This variant has been identified in 1/251398 chromosomes in the general population by the Genome Aggregation Database (gnomAD). The available evidence is insufficient to determine the role of this variant in disease conclusively. Therefore, this variant is classified as a Variant of Uncertain Significance.

Labcorp Genetics (formerly Invitae), Labcorp
Classification: Uncertain significance for Familial thoracic aortic aneurysm and aortic dissection. Last evaluated: 2019-07-11. Review status: criteria provided, single submitter. Criteria: Invitae Variant Classification Sherloc (09022015). Collection method: clinical testing. Allele origin: germline.
Comment: In summary, the available evidence is currently insufficient to determine the role of this variant in disease. Therefore, it has been classified as a Variant of Uncertain Significance. Algorithms developed to predict the effect of missense changes on protein structure and function are either unavailable or do not agree on the potential impact of this missense change (SIFT: "Tolerated"; PolyPhen-2: "Possibly Damaging"; Align-GVGD: "Class C0"). This variant is present in population databases (rs772730200, ExAC 0.001%). This sequence change replaces arginine with glutamine at codon 295 of the SMAD3 protein (p.Arg295Gln). The arginine residue is highly conserved and there is a small physicochemical difference between arginine and glutamine.